The following is an entry in ClinVar:

NM_000179.3(MSH6):c.3362A>G (p.Glu1121Gly)

Gene: MSH6 (mutS homolog 6; plus strand). Cytogenetic location: 2p16.3.
Variant type: single nucleotide variant.
Coding change: c.3362A>G on transcript NM_000179.3 (MANE Select); coding-DNA position 3362, A replaced by G.
Protein change: p.Glu1121Gly; replaces glutamic acid 1121 with glycine.
Molecular consequence: missense variant.
Genome position (GRCh38, 1-based): chr2:47,803,609, A>G. VCF-style: chr2-47803609-A-G. GRCh37 (hg19) VCF-style: chr2-48030748-A-G.
Other names: c.2972A>G, p.Glu991Gly (NM_001281492.2); c.2456A>G, p.Glu819Gly (NM_001281493.2, NM_001281494.2); short protein forms E1121G, E819G, E991G.
Identifiers: ClinVar variation 1171928 (VCV001171928.3), dbSNP rs776589986, ClinGen allele CA070725.

ClinVar aggregate classification (germline): Uncertain significance (1 of 4 stars; one submission).

Conditions:
Hereditary cancer-predisposing syndrome. Also called: Tumor predisposition; Hereditary neoplastic syndrome; Hereditary Cancer Syndrome; Neoplastic Syndromes, Hereditary. Identifiers: Orphanet 140162, MedGen C0027672, MeSH D009386, MONDO:0015356.

Allele frequency attached by ClinVar (database versions not stated): gnomAD exomes below 0.00001; ExAC 0.00001.

Submission:

Color Diagnostics, LLC DBA Color Health
Classification: Uncertain significance for Hereditary cancer-predisposing syndrome. Last evaluated: 2024-03-06. Review status: criteria provided, single submitter. Criteria: ACMG Guidelines, 2015. Collection method: clinical testing. Allele origin: germline.
Comment: This missense variant replaces glutamic acid with glycine at codon 1121 of the MSH6 protein. Computational prediction suggests that this variant may not impact protein structure and function (internally defined REVEL score threshold <= 0.5, PMID: 27666373). To our knowledge, functional studies have not been reported for this variant. This variant has not been reported in individuals affected with hereditary cancer in the literature. This variant has been identified in 1/251426 chromosomes in the general population by the Genome Aggregation Database (gnomAD). The available evidence is insufficient to determine the role of this variant in disease conclusively. Therefore, this variant is classified as a Variant of Uncertain Significance.